The following is an entry in ClinVar:

NM_004360.5(CDH1):c.313T>C (p.Ser105Pro)

Gene: CDH1 (cadherin 1; plus strand). Cytogenetic location: 16q22.1.
Variant type: single nucleotide variant.
Coding change: c.313T>C on transcript NM_004360.5 (MANE Select); coding-DNA position 313, T replaced by C.
Protein change: p.Ser105Pro; replaces serine 105 with proline.
Molecular consequence: missense variant. On other transcripts: 5 prime UTR variant (2).
Genome position (GRCh38, 1-based): chr16:68,801,819, T>C. VCF-style: chr16-68801819-T-C. GRCh37 (hg19) VCF-style: chr16-68835722-T-C.
Other names: c.313T>C, p.Ser105Pro (NM_001317184.2); c.-1303T>C (NM_001317185.2); c.-1507T>C (NM_001317186.2); short protein forms S105P.
Identifiers: ClinVar variation 2453331 (VCV002453331.2), dbSNP rs1165815510, ClinGen allele CA396457366.

ClinVar aggregate classification (germline): Uncertain significance (1 of 4 stars; one submission).

Conditions:
Hereditary cancer-predisposing syndrome. Also called: Neoplastic Syndromes, Hereditary; Tumor predisposition; Hereditary neoplastic syndrome; Hereditary Cancer Syndrome. Identifiers: Orphanet 140162, MedGen C0027672, MeSH D009386, MONDO:0015356.

Submission:

Ambry Genetics
Classification: Uncertain significance for Hereditary cancer-predisposing syndrome. Last evaluated: 2023-01-18. Review status: criteria provided, single submitter. Criteria: Ambry Variant Classification Scheme 2023. Collection method: clinical testing. Allele origin: germline.
Comment: The p.S105P variant (also known as c.313T>C), located in coding exon 3 of the CDH1 gene, results from a T to C substitution at nucleotide position 313. The serine at codon 105 is replaced by proline, an amino acid with similar properties. This amino acid position is conserved. In addition, this alteration is predicted to be tolerated by in silico analysis. Since supporting evidence is limited at this time, the clinical significance of this alteration remains unclear.